The following is an entry in ClinVar:

ClinVar aggregate classification (germline): Uncertain significance (1 of 4 stars; one submission).

Submission:

ISCA site 15
Classification: Uncertain significance. Last evaluated: 2011-08-12. Review status: criteria provided, single submitter. Criteria: Kaminsky et al. (Genet Med. 2011). Collection method: clinical testing. Allele origin: unknown. Affected: yes. Observed: 1 variant allele.
Comment: Copy number variation identified through the course of routine clinical cytogenomic testing in postnatal populations. Clinical assertions have been curated as described in Kaminsky et al. 2011.

GRCh38/hg38 11p15.5(chr11:196966-251588)x3

Genes: BET1L (Bet1 golgi vesicular membrane trafficking protein like; minus strand), CIMAP1A (ciliary microtubule associated protein 1A; plus strand), MIR6743 (microRNA 6743; plus strand), PSMD13 (proteasome 26S subunit, non-ATPase 13; plus strand), RIC8A (RIC8 guanine nucleotide exchange factor A; plus strand) and 5 more. Cytogenetic location: 11p15.5.
Variant type: copy number gain.
Change: copy number 3 (three copies instead of two) of chr11:196,966-251,588 (54.6 kb, GRCh38 coordinates, 1-based), cytogenetic band 11p15.5.
Identifiers: ClinVar variation 57951 (VCV000057951.1).